The following is an entry in ClinVar:

ClinVar aggregate classification (germline): Uncertain significance (1 of 4 stars; one submission).

Conditions:
Spermatogenic failure 18. Identifiers: MedGen C4539783, MONDO:0054615, OMIM 617576.
Ciliary dyskinesia, primary, 37 (CILD37). Also called: CILIARY DYSKINESIA, PRIMARY, 37, WITH OR WITHOUT SITUS INVERSUS. Identifiers: MedGen C4539798, MONDO:0033204, OMIM 617577.

Submission:

Labcorp Genetics (formerly Invitae), Labcorp
Classification: Uncertain significance for Ciliary dyskinesia, primary, 37; Spermatogenic failure 18. Last evaluated: 2018-11-01. Review status: criteria provided, single submitter. Criteria: Invitae Variant Classification Sherloc (09022015). Collection method: clinical testing. Allele origin: germline.
Comment: This sequence change replaces methionine with leucine at codon 2358 of the DNAH1 protein (p.Met2358Leu). The methionine residue is weakly conserved and there is a small physicochemical difference between methionine and leucine. This variant is not present in population databases (ExAC no frequency). This variant has not been reported in the literature in individuals with DNAH1-related disease. Algorithms developed to predict the effect of missense changes on protein structure and function (SIFT, PolyPhen-2, Align-GVGD) all suggest that this variant is likely to be tolerated, but these predictions have not been confirmed by published functional studies and their clinical significance is uncertain. In summary, the available evidence is currently insufficient to determine the role of this variant in disease. Therefore, it has been classified as a Variant of Uncertain Significance.

NM_015512.5(DNAH1):c.7072A>T (p.Met2358Leu)

Gene: DNAH1 (dynein axonemal heavy chain 1; plus strand). Cytogenetic location: 3p21.1.
Variant type: single nucleotide variant.
Coding change: c.7072A>T on transcript NM_015512.5 (MANE Select); coding-DNA position 7072, A replaced by T.
Protein change: p.Met2358Leu; replaces methionine 2358 with leucine.
Molecular consequence: missense variant.
Genome position (GRCh38, 1-based): chr3:52,375,326, A>T. VCF-style: chr3-52375326-A-T. GRCh37 (hg19) VCF-style: chr3-52409342-A-T.
Other names: short protein forms M2358L.
Identifiers: ClinVar variation 645517 (VCV000645517.1), dbSNP rs1578169078, ClinGen allele CA353171052.